The following is an entry in ClinVar:

ClinVar aggregate classification (germline): Likely benign (1 of 4 stars; one submission).

Allele frequency attached by ClinVar (database versions not stated): gnomAD exomes 0.00001.

Submission:

CeGaT Center for Human Genetics Tuebingen
Classification: Likely benign. Last evaluated: 2023-02-01. Review status: criteria provided, single submitter. Criteria: CeGaT Center For Human Genetics Tuebingen Variant Classification Criteria Version 2. Collection method: clinical testing. Allele origin: germline. Affected: yes. Observed: 1 variant allele.
Comment: PPP4R3C: BP4, BP7

NM_207319.4(PPP4R3C):c.450A>C (p.Ser150=)

Genes: PPP4R3C (protein phosphatase 4 regulatory subunit 3C; minus strand), LOC126863233 (MED14-independent group 3 enhancer GRCh37_chrX:27480372-27481571; plus strand). Cytogenetic location: Xp21.3.
Variant type: single nucleotide variant.
Coding change: c.450A>C on transcript NM_207319.4 (MANE Select); coding-DNA position 450, A replaced by C.
Protein change: p.Ser150=; no amino-acid change (serine 150 retained).
Molecular consequence: synonymous variant.
Genome position (GRCh38, 1-based): chrX:27,462,847, T>G on the plus strand (A>C on the coding strand, the complement: PPP4R3C is on the minus strand). VCF-style: chrX-27462847-T-G. GRCh37 (hg19) VCF-style: chrX-27480964-T-G.
Identifiers: ClinVar variation 2660213 (VCV002660213.24), dbSNP rs1479699561, ClinGen allele CA515811003.